The following is an entry in ClinVar:

ClinVar aggregate classification (germline): Pathogenic; drug response. Review status: reviewed by expert panel (3 of 4 stars). 45 submissions from 39 submitters: Pathogenic (1). 37 of the submissions do not count toward it. Last evaluated 2022-07-11.

Conditions:
King Denborough syndrome (KDS). Identifiers: MedGen C1840365, MONDO:0020485, OMIM 619542.
Malignant hyperthermia, susceptibility to, 1 (MHS1). Also called: Malignant hyperthermia suceptibility 1; RYR1-Related Malignant Hyperthermia Susceptibility; Anesthesia related hyperthermia; Malignant hyperpyrexia; Fulminating hyperpyrexia; Pharmacogenic myopathy. Identifiers: Orphanet 423, MedGen C2930980, MONDO:0007783, OMIM 145600.
Central core myopathy (CMYO1A). Also called: CONGENITAL MYOPATHY 1A, AUTOSOMAL DOMINANT, WITH SUSCEPTIBILITY TO MALIGNANT HYPERTHERMIA; Central core disease; Myopathy, central fibrillar. Identifiers: Orphanet 597, MedGen C5830701, MONDO:0007294, OMIM 117000.
Congenital multicore myopathy with external ophthalmoplegia (CMYO1B). Also called: Congenital myopathy 1B, autosomal recessive; Minicore myopathy; MULTIMINICORE DISEASE WITH EXTERNAL OPHTHALMOPLEGIA; MULTICORE MYOPATHY; Minicore myopathy with external ophthalmoplegia. Identifiers: Orphanet 598, Orphanet 98905, MedGen C1850674, MONDO:0009712, OMIM 255320, HP:0003789.
RYR1-related disorder. Also called: RYR1-related disorders; RYR1-related condition. Identifiers: MedGen CN239331.
Inborn genetic diseases. Identifiers: MedGen C0950123, MeSH D030342.
Malignant hyperthermia of anesthesia. Also called: Anesthesic-triggered malignant hyperthermia. Identifiers: Orphanet 423, MedGen C0024591, MONDO:0018493, HP:0034733.
sevoflurane response - Toxicity.
succinylcholine response - Toxicity.
isoflurane response - Toxicity.
methoxyflurane response - Toxicity.
enflurane response - Toxicity.
halothane response - Toxicity.
desflurane response - Toxicity.

Allele frequency attached by ClinVar (database versions not stated): ExAC 0.00002; gnomAD exomes 0.00003 and 0.00010; gnomAD 0.00005 and 0.00006; TOPMed 0.00006.
gnomAD v4.1: 156 of 1,614,004 alleles (0.0097%); highest among the groups gnomAD compares: Non-Finnish European, 0.013%; no homozygotes.

Submissions 1 to 10 of 45:

ClinGen Malignant Hyperthermia Susceptibility Variant Curation Expert Panel, ClinGen
Classification: Pathogenic for Malignant hyperthermia, susceptibility to, 1. Last evaluated: 2022-07-11. Review status: reviewed by expert panel. Criteria: ClinGen MHS ACMG Specifications V2. Collection method: curation. Allele origin: germline. Inheritance: Autosomal dominant inheritance.
Comment: This pathogenicity assessment is relevant only for malignant hyperthermia susceptibility (MHS) inherited in an autosomal dominant pattern. Variants in RYR1 can also cause other myopathies inherited in an autosomal dominant pattern or in an autosomal recessive pattern. Some of these disorders may predispose individuals to malignant hyperthermia. RYR1 variants may also contribute to a malignant hyperthermia reaction in combination with other genetic and non-genetic factors and the clinician needs to consider such factors in making management decisions. This sequence variant predicts a substitution of glycine with arginine at codon 2434 of the RYR1 protein, p.(Gly2434Arg). The maximum allele frequency for this variant among the six major gnomAD populations is NFE: 0.000078, a frequency consistent with pathogenicity for MHS. This variant has been reported in 178 unrelated individuals who have a personal or family history of a malignant hyperthermia reaction, 174 of these individuals had a positive in vitro contracture test (IVCT) or caffeine halothane contracture test (CHCT) result (if the proband was unavailable for testing, a positive diagnostic test result in a mutation-positive relative was counted, PS4 (PMID: 30236257, 10484775, 23558838, 16163667, 21455645, 23842196, 7849712, 7881417, 11575529, 15731587, 11668625, 12059893, 12151923, 31559918, 10700782, 17081125, 18564801, 20681998, 21965348, 23460944, 25735680, 25960145, 9030597, 25268394, 17667681). This variant has been identified in six individuals with negative IVCT/CHCT results, BS2 (PMID:30236257). A functional study in HEK293 cells shows an increased sensitivity to RYR1 agonists (PMID: 27586648). p.(Gly2434Arg) knock-in mice are susceptible to malignant hyperthermia due to volatile anesthetics and ex vivo assays demonstrate increased sensitivity to RYR1 agonists for knock-in myotubes, PS3 (PMID:30236258). This variant resides in a region of RYR1 considered to be a hotspot for pathogenic variants that contribute to MHS, PM1 (PMID: 21118704). This variant segregates with MHS in at least 20 individuals, PP1_Strong (PMID: 7849712, 11575529, 12059893, 25960145). A REVEL score >0.85 (0.956) supports a pathogenic status for this variant, PP3_Moderate. Based on using Bayes to combine criteria this variant is assessed as Pathogenic, (PMID: 29300386). Criteria implemented: PS3, PS4, PM1, PP1_Strong, PP3_Moderate, BS2.

ClinPGx
Classification: drug response for desflurane response - Toxicity. Last evaluated: 2021-03-24. Review status: reviewed by expert panel. Criteria: Pharmacogenomics knowledge for personalized medicine. Collection method: curation. Allele origin: germline. Affected: yes.
Comment: PharmGKB Level of Evidence 1A: Level 1A clinical annotations describe variant-drug combinations that have variant-specific prescribing guidance available in a current clinical guideline annotation or an FDA-approved drug label annotation. Annotations of drug labels or clinical guidelines must give prescribing guidance for specific variants (e.g. CYP2C9*3, HLA-B*57:01) or provide mapping from defined allele functions to diplotypes and phenotypes to be used as supporting evidence for a level 1A clinical annotation. Level 1A clinical annotations must also be supported by at least one publication in addition to a clinical guideline or drug label with variant-specific prescribing guidance.

Drug is not necessarily used to treat response condition

ClinPGx
Classification: drug response for enflurane response - Toxicity. Last evaluated: 2021-03-24. Review status: reviewed by expert panel. Criteria: Pharmacogenomics knowledge for personalized medicine. Collection method: curation. Allele origin: germline. Affected: yes.
Comment: the same text as in the submission from ClinPGx above.

ClinPGx
Classification: drug response for halothane response - Toxicity. Last evaluated: 2021-03-24. Review status: reviewed by expert panel. Criteria: Pharmacogenomics knowledge for personalized medicine. Collection method: curation. Allele origin: germline. Affected: yes.
Comment: the same text as in the submission from ClinPGx above.

ClinPGx
Classification: drug response for isoflurane response - Toxicity. Last evaluated: 2021-03-24. Review status: reviewed by expert panel. Criteria: Pharmacogenomics knowledge for personalized medicine. Collection method: curation. Allele origin: germline. Affected: yes.
Comment: the same text as in the submission from ClinPGx above.

ClinPGx
Classification: drug response for methoxyflurane response - Toxicity. Last evaluated: 2021-03-24. Review status: reviewed by expert panel. Criteria: Pharmacogenomics knowledge for personalized medicine. Collection method: curation. Allele origin: germline. Affected: yes.
Comment: the same text as in the submission from ClinPGx above.

ClinPGx
Classification: drug response for sevoflurane response - Toxicity. Last evaluated: 2021-03-24. Review status: reviewed by expert panel. Criteria: Pharmacogenomics knowledge for personalized medicine. Collection method: curation. Allele origin: germline. Affected: yes.
Comment: the same text as in the submission from ClinPGx above.

ClinPGx
Classification: drug response for succinylcholine response - Toxicity. Last evaluated: 2021-03-24. Review status: reviewed by expert panel. Criteria: Pharmacogenomics knowledge for personalized medicine. Collection method: curation. Allele origin: germline. Affected: yes.
Comment: the same text as in the submission from ClinPGx above.

PreventionGenetics, part of Exact Sciences
Classification: Pathogenic for RYR1-related condition. Last evaluated: 2026-08-19. Review status: criteria provided, single submitter. Criteria: ACMG Guidelines, 2015. Collection method: clinical testing. Allele origin: germline. Not counted in ClinVar's aggregate classification.
Comment: The RYR1 c.7300G>A variant is predicted to result in the amino acid substitution p.Gly2434Arg. This variant has been conclusively established to be causative for malignant hyperthermia susceptibility (MH) (Keating et al. 1994. PubMed ID: 7849712; Phillips et al. 1994. PubMed ID: 7881417; Tong et al. 1997. PubMed ID: 9334205; Brandt et al. 1999. PubMed ID: 10484775). This variant is one of the most common causative MH variants in patients with European ancestry and an expert ClinGen panel has categorized the c.7300G>A variant as pathogenic in ClinVar (Variation ID: 12970). In vitro studies indicated that this variant affects the function of the RYR1 protein (Tong et al. 1999. PubMed ID: 9873004; Murayama T et al 2016. PubMed ID: 27586648). This variant is reported in 0.0078% of alleles in individuals of European (Non-Finnish) descent in gnomAD. This variant is interpreted as pathogenic.

CeGaT Center for Human Genetics Tuebingen
Classification: Pathogenic. Last evaluated: 2026-05-01. Review status: criteria provided, single submitter. Criteria: CeGaT Center For Human Genetics Tuebingen Variant Classification Criteria Version 2. Collection method: clinical testing. Allele origin: germline. Affected: yes. Observed: 17 variant alleles. Not counted in ClinVar's aggregate classification.
Comment: RYR1: PP1:Strong, PS3, PS4, PM1, PM2:Supporting, PP3

NM_000540.3(RYR1):c.7300G>A (p.Gly2434Arg)

Gene: RYR1 (ryanodine receptor 1; plus strand). Cytogenetic location: 19q13.2.
Variant type: single nucleotide variant.
Coding change: c.7300G>A on transcript NM_000540.3 (MANE Select); coding-DNA position 7300, G replaced by A.
Protein change: p.Gly2434Arg; replaces glycine 2434 with arginine.
Molecular consequence: missense variant.
Genome position (GRCh38, 1-based): chr19:38,499,993, G>A. VCF-style: chr19-38499993-G-A. GRCh37 (hg19) VCF-style: chr19-38990633-G-A.
Other names: NM_000540.3(RYR1):c.7300G>A; c.7300G>A, p.Gly2434Arg (NM_001042723.2); short protein forms G2434R.
Identifiers: ClinVar variation 12970 (VCV000012970.97), dbSNP rs121918593, ClinGen allele CA024747.